The following is an entry in ClinVar:

ClinVar aggregate classification (germline): Uncertain significance (1 of 4 stars; one submission).

Conditions:
Inborn genetic diseases. Identifiers: MedGen C0950123, MeSH D030342.

Submission:

Ambry Genetics
Classification: Uncertain significance for Inborn genetic diseases. Last evaluated: 2022-08-07. Review status: criteria provided, single submitter. Criteria: Ambry Variant Classification Scheme 2023. Collection method: clinical testing. Allele origin: germline.
Comment: The p.A22V variant (also known as c.65C>T), located in coding exon 2 of the EPAS1 gene, results from a C to T substitution at nucleotide position 65. The alanine at codon 22 is replaced by valine, an amino acid with similar properties. This amino acid position is conserved. In addition, the in silico prediction for this alteration is inconclusive. Since supporting evidence is limited at this time, the clinical significance of this alteration remains unclear.

NM_001430.5(EPAS1):c.65C>T (p.Ala22Val)

Gene: EPAS1 (endothelial PAS domain protein 1; plus strand). Cytogenetic location: 2p21.
Variant type: single nucleotide variant.
Coding change: c.65C>T on transcript NM_001430.5 (MANE Select); coding-DNA position 65, C replaced by T.
Protein change: p.Ala22Val; replaces alanine 22 with valine.
Molecular consequence: missense variant.
Genome position (GRCh38, 1-based): chr2:46,346,911, C>T. VCF-style: chr2-46346911-C-T. GRCh37 (hg19) VCF-style: chr2-46574050-C-T.
Other names: short protein forms A22V.
Identifiers: ClinVar variation 1754404 (VCV001754404.2), dbSNP rs1341157277, ClinGen allele CA346696904.